The following is an entry in ClinVar:

ClinVar aggregate classification (germline): Benign. Review status: criteria provided, multiple submitters, no conflicts (2 of 4 stars). 2 submissions from 2 submitters: Benign (2). Last evaluated 2018-01-13.

Conditions:
Doyne honeycomb retinal dystrophy (DHRD). Also called: DOYNE HONEYCOMB DEGENERATION OF RETINA; MALATTIA LEVENTINESE; DRUSEN, RADIAL, AUTOSOMAL DOMINANT. Identifiers: Orphanet 75376, MedGen C1832174, MONDO:0007471, OMIM 126600.

Allele frequency attached by ClinVar (database versions not stated): 1000 Genomes Project 30x 0.00203; 1000 Genomes Project 0.00220; TOPMed 0.00563; gnomAD 0.00565 and 0.00570.
gnomAD v4.1: 5,232 of 831,770 alleles (0.63%); highest among the groups gnomAD compares: Middle Eastern, 1.7%; 23 homozygotes.

Submissions (2):

Illumina Laboratory Services, Illumina
Classification: Benign for Doyne honeycomb retinal dystrophy. Last evaluated: 2018-01-13. Review status: criteria provided, single submitter. Criteria: ICSL Variant Classification Criteria 13 December 2019. Collection method: clinical testing. Allele origin: germline.
Comment: This variant was observed in the ICSL laboratory as part of a predisposition screen in an ostensibly healthy population. It had not been previously curated by ICSL or reported in the Human Gene Mutation Database (HGMD: prior to June 1st, 2018), and was therefore a candidate for classification through an automated scoring system. Utilizing variant allele frequency, disease prevalence and penetrance estimates, and inheritance mode, an automated score was calculated to assess if this variant is too frequent to cause the disease. Based on the score and internal cut-off values, a variant classified as benign is not then subjected to further curation. The score for this variant resulted in a classification of benign for this disease.

Breakthrough Genomics
Classification: Benign. Review status: criteria provided, single submitter. Criteria: ACMG Guidelines, 2015. Collection method: not provided. Allele origin: germline. Inheritance: Autosomal dominant inheritance. Affected: yes.

NM_001039348.3(EFEMP1):c.*168A>G

Gene: EFEMP1 (EGF-like fibulin extracellular matrix protein 1; minus strand). Cytogenetic location: 2p16.1.
Variant type: single nucleotide variant.
Coding change: c.*168A>G on transcript NM_001039348.3 (MANE Select); 168 bases downstream of the stop codon, A replaced by G.
Molecular consequence: 3 prime UTR variant.
Genome position (GRCh38, 1-based): chr2:55,866,905, T>C on the plus strand (A>G on the coding strand, the complement: EFEMP1 is on the minus strand). VCF-style: chr2-55866905-T-C. GRCh37 (hg19) VCF-style: chr2-56094040-T-C.
Other names: c.*168A>G (NM_001039349.3).
Identifiers: ClinVar variation 336618 (VCV000336618.6), dbSNP rs1802574, ClinGen allele CA10613691.